The following is an entry in ClinVar:

ClinVar aggregate classification (germline): Uncertain significance. Review status: criteria provided, multiple submitters, no conflicts (2 of 4 stars). 2 submissions from 2 submitters: Uncertain significance (2). Last evaluated 2023-10-23.

Conditions:
Catecholaminergic polymorphic ventricular tachycardia (CVPT). Also called: Catecholamine-induced polymorphic ventricular tachycardia. Identifiers: Orphanet 3286, MedGen C5574922, MONDO:0017990.
Catecholaminergic polymorphic ventricular tachycardia 1. Also called: VENTRICULAR TACHYCARDIA, STRESS-INDUCED POLYMORPHIC 1; VENTRICULAR TACHYCARDIA, CATECHOLAMINERGIC POLYMORPHIC, 1, WITH OR WITHOUT ATRIAL DYSFUNCTION AND/OR DILATED CARDIOMYOPATHY; RYR2-Related Catecholaminergic Polymorphic Ventricular Tachycardia. Identifiers: Orphanet 3286, MedGen C1631597, MONDO:0011484, OMIM 604772.

Submissions (2):

All of Us Research Program, National Institutes of Health
Classification: Uncertain significance for Catecholaminergic polymorphic ventricular tachycardia. Last evaluated: 2023-10-23. Review status: criteria provided, single submitter. Criteria: ACMG Guidelines, 2015. Collection method: clinical testing. Allele origin: germline. Inheritance: Autosomal dominant inheritance. Observed: 1 variant allele, 1 heterozygote.
Comment: This missense variant replaces glutamic acid with aspartic acid at codon 2378 of the RYR2 protein. Computational prediction suggests that this variant may not impact protein structure and function (internally defined REVEL score threshold <= 0.5, PMID: 27666373). To our knowledge, functional studies have not been reported for this variant. This variant has not been reported in individuals affected with RYR2-related disorders in the literature. This variant has not been identified in the general population by the Genome Aggregation Database (gnomAD). The available evidence is insufficient to determine the role of this variant in disease conclusively. Therefore, this variant is classified as a Variant of Uncertain Significance.

This study involves interpretation of variants in research participants for the purpose of population health screening. Participant phenotype was not available at the time of variant classification. Additional details can be found in publication PMID: 35346344, PMCID: PMC8962531

Labcorp Genetics (formerly Invitae), Labcorp
Classification: Uncertain significance for Catecholaminergic polymorphic ventricular tachycardia 1. Last evaluated: 2022-09-19. Review status: criteria provided, single submitter. Criteria: Invitae Variant Classification Sherloc (09022015). Collection method: clinical testing. Allele origin: germline.
Comment: In summary, the available evidence is currently insufficient to determine the role of this variant in disease. Therefore, it has been classified as a Variant of Uncertain Significance. Advanced modeling of protein sequence and biophysical properties (such as structural, functional, and spatial information, amino acid conservation, physicochemical variation, residue mobility, and thermodynamic stability) performed at Invitae indicates that this missense variant is not expected to disrupt RYR2 protein function. This variant has not been reported in the literature in individuals affected with RYR2-related conditions. This variant is not present in population databases (gnomAD no frequency). This sequence change replaces glutamic acid, which is acidic and polar, with aspartic acid, which is acidic and polar, at codon 2378 of the RYR2 protein (p.Glu2378Asp).

NM_001035.3(RYR2):c.7134A>T (p.Glu2378Asp)

Gene: RYR2 (ryanodine receptor 2; plus strand). Cytogenetic location: 1q43.
Variant type: single nucleotide variant.
Coding change: c.7134A>T on transcript NM_001035.3 (MANE Select); coding-DNA position 7134, A replaced by T.
Protein change: p.Glu2378Asp; replaces glutamic acid 2378 with aspartic acid.
Molecular consequence: missense variant.
Genome position (GRCh38, 1-based): chr1:237,640,915, A>T. VCF-style: chr1-237640915-A-T. GRCh37 (hg19) VCF-style: chr1-237804215-A-T.
Other names: short protein forms E2378D.
Identifiers: ClinVar variation 2172770 (VCV002172770.5), dbSNP rs1573283944, ClinGen allele CA345396569.